The following is an entry in ClinVar:

ClinVar aggregate classification (germline): Conflicting classifications of pathogenicity. Review status: criteria provided, conflicting classifications (1 of 4 stars). 3 submissions from 3 submitters: Uncertain significance (2); Likely benign (1). Last evaluated 2025-03-03.

Conditions:
Inborn genetic diseases. Identifiers: MedGen C0950123, MeSH D030342.
Neuropathy, hereditary sensory, type 2C. Also called: Hereditary sensory and autonomic neuropathy type IIC; KIF1A-Related HSAN2 (HSAN2C). Identifiers: Orphanet 970, MedGen C3280168, MONDO:0013634, OMIM 614213.
Intellectual disability, autosomal dominant 9 (NESCAVS). Also called: KIF1A-Related Neurodevelopmental Disorder; NESCAV SYNDROME. Identifiers: Orphanet 662367, MedGen C5393830, MONDO:0013656, OMIM 614255.
Hereditary spastic paraplegia 30. Identifiers: Orphanet 101010, MedGen C5235139, MONDO:0012476.

Allele frequency attached by ClinVar (database versions not stated): TOPMed below 0.00001; ExAC 0.00001; gnomAD 0.00001; gnomAD exomes 0.00001.

Submissions (3):

Labcorp Genetics (formerly Invitae), Labcorp
Classification: Likely benign for Hereditary spastic paraplegia 30; Neuropathy, hereditary sensory, type 2C; Intellectual disability, autosomal dominant 9. Last evaluated: 2025-03-03. Review status: criteria provided, single submitter. Criteria: Invitae Variant Classification Sherloc (09022015). Collection method: clinical testing. Allele origin: germline.

Blueprint Genetics
Classification: Uncertain significance. Last evaluated: 2023-12-19. Review status: criteria provided, single submitter. Criteria: ACMG Guidelines, 2015. Collection method: clinical testing. Allele origin: germline.

Ambry Genetics
Classification: Uncertain significance for Inborn genetic diseases. Last evaluated: 2020-10-13. Review status: criteria provided, single submitter. Criteria: Ambry Variant Classification Scheme 2023. Collection method: clinical testing. Allele origin: germline.
Comment: The p.M1349L variant (also known as c.4045A>C), located in coding exon 38 of the KIF1A gene, results from an A to C substitution at nucleotide position 4045. The methionine at codon 1349 is replaced by leucine, an amino acid with highly similar properties. This amino acid position is well conserved in available vertebrate species. In addition, this alteration is predicted to be tolerated by in silico analysis. Since supporting evidence is limited at this time, the clinical significance of this alteration remains unclear.

NM_001244008.2(KIF1A):c.4045A>C (p.Met1349Leu)

Gene: KIF1A (kinesin family member 1A; minus strand). Cytogenetic location: 2q37.3.
Variant type: single nucleotide variant.
Coding change: c.4045A>C on transcript NM_001244008.2 (MANE Select); coding-DNA position 4045, A replaced by C.
Protein change: p.Met1349Leu; replaces methionine 1349 with leucine.
Molecular consequence: missense variant.
Genome position (GRCh38, 1-based): chr2:240,726,903, T>G on the plus strand (A>C on the coding strand, the complement: KIF1A is on the minus strand). VCF-style: chr2-240726903-T-G. GRCh37 (hg19) VCF-style: chr2-241666320-T-G.
Other names: c.3769A>C, p.Met1257Leu (NM_001320705.2, NM_001379649.1); c.3796A>C, p.Met1266Leu (NM_001330289.2); c.3844A>C, p.Met1282Leu (NM_001330290.2, NM_001379648.1); c.4120A>C, p.Met1374Leu (NM_001379631.1); c.4021A>C, p.Met1341Leu (NM_001379632.1); c.4018A>C, p.Met1340Leu (NM_001379633.1, NM_001379645.1); c.3871A>C, p.Met1291Leu (NM_001379634.1); c.3868A>C, p.Met1290Leu (NM_001379635.1, NM_001379646.1); and 7 more; short protein forms M1248L, M1349L, M1257L, M1265L, M1247L, M1256L, M1266L, M1291L.
Identifiers: ClinVar variation 1506016 (VCV001506016.11), dbSNP rs777103421, ClinGen allele CA2207510.
Genomic context (GRCh38, chr2:240,726,903, plus strand): 5'-GTGTCATGTAGATTTTCTCTCGATAAGGGGTGACCCGGTTCAGCAGGAGAGAGTTGTGCA[T>G]GGAGCTGTCCCACGCAGCCTCAAATTGGTAAAAGGTCCTGAAAGGAAGCAGAGACAAAGT-3'
Protein context (NP_001230937.1, residues 1339-1359): YQFEAAWDSS[Met1349Leu]HNSLLLNRVT